The following is an entry in ClinVar:

NM_015512.5(DNAH1):c.11241G>A (p.Glu3747=)

Gene: DNAH1 (dynein axonemal heavy chain 1; plus strand). Cytogenetic location: 3p21.1.
Variant type: single nucleotide variant.
Coding change: c.11241G>A on transcript NM_015512.5 (MANE Select); coding-DNA position 11241, G replaced by A.
Protein change: p.Glu3747=; no amino-acid change (glutamic acid 3747 retained).
Molecular consequence: synonymous variant.
Genome position (GRCh38, 1-based): chr3:52,395,660, G>A. VCF-style: chr3-52395660-G-A. GRCh37 (hg19) VCF-style: chr3-52429676-G-A.
Identifiers: ClinVar variation 4281228 (VCV004281228.7).

ClinVar aggregate classification (germline): Likely benign (1 of 4 stars; one submission).

Submission:

CeGaT Center for Human Genetics Tuebingen
Classification: Likely benign. Last evaluated: 2025-09-01. Review status: criteria provided, single submitter. Criteria: CeGaT Center For Human Genetics Tuebingen Variant Classification Criteria Version 2. Collection method: clinical testing. Allele origin: germline. Affected: yes. Observed: 1 variant allele.
Comment: DNAH1: PM2:Supporting, BP4, BP7